The following is an entry in ClinVar:

ClinVar aggregate classification (germline): Uncertain significance. Review status: criteria provided, multiple submitters, no conflicts (2 of 4 stars). 2 submissions from 2 submitters: Uncertain significance (2). Last evaluated 2025-08-28.

gnomAD v4.1: 43 of 1,614,044 alleles (0.0027%); highest among the groups gnomAD compares: East Asian, 0.0089%; no homozygotes.

Submissions (2):

Ambry Genetics
Classification: Uncertain significance. Last evaluated: 2025-08-28. Review status: criteria provided, single submitter. Criteria: Ambry Variant Classification Scheme 2023. Collection method: clinical testing. Allele origin: germline.

Labcorp Genetics (formerly Invitae), Labcorp
Classification: Uncertain significance. Last evaluated: 2024-10-17. Review status: criteria provided, single submitter. Criteria: Invitae Variant Classification Sherloc (09022015). Collection method: clinical testing. Allele origin: germline.
Comment: This sequence change replaces arginine, which is basic and polar, with histidine, which is basic and polar, at codon 396 of the ATRIP protein (p.Arg396His). This variant is present in population databases (rs752417126, gnomAD 0.006%). This variant has not been reported in the literature in individuals affected with ATRIP-related conditions. An algorithm developed to predict the effect of missense changes on protein structure and function outputs the following: PolyPhen-2: "Benign". The histidine amino acid residue is found in multiple mammalian species, which suggests that this missense change does not adversely affect protein function. In summary, the available evidence is currently insufficient to determine the role of this variant in disease. Therefore, it has been classified as a Variant of Uncertain Significance.

NM_130384.3(ATRIP):c.1187G>A (p.Arg396His)

Genes: ATRIP (ATR interacting protein; plus strand), ATRIP-TREX1 (ATRIP-TREX1 readthrough; plus strand). Cytogenetic location: 3p21.31.
Variant type: single nucleotide variant.
Coding change: c.1187G>A on transcript NM_130384.3 (MANE Select); coding-DNA position 1187, G replaced by A.
Protein change: p.Arg396His; replaces arginine 396 with histidine.
Molecular consequence: missense variant. On other transcripts: non-coding transcript variant (1).
Genome position (GRCh38, 1-based): chr3:48,460,241, G>A. VCF-style: chr3-48460241-G-A. GRCh37 (hg19) VCF-style: chr3-48501640-G-A.
Other names: c.806G>A, p.Arg269His (NM_001271022.2); c.908G>A, p.Arg303His (NM_001271023.2); c.1187G>A, p.Arg396His (NM_032166.4); c.1187G>A (NM_130384.1); short protein forms R269H, R303H, R396H.
Identifiers: ClinVar variation 3608556 (VCV003608556.4).
Genomic context (GRCh38, chr3:48,460,241, plus strand): 5'-GAGAAGCACAGAACCTGGCATTCACTGGACTGAATCTGGTTGCCCGGAATGAGTGCTCAC[G>A]TGATGGAGACCCAGCAGAGGGAGGCAGAAGGGCCTTCCCACTCTGCCAGCTTCCTGGAGC-3'
Protein context (NP_569055.1, residues 386-406): LNLVARNECS[Arg396His]DGDPAEGGRR